The following is an entry in ClinVar:

ClinVar aggregate classification (germline): Uncertain significance (0 of 4 stars; one submission).

Conditions:
SEMA3B-related disorder. Also called: SEMA3B-related condition.

gnomAD v4.1: 40 of 1,508,596 alleles (0.0027%); highest among the groups gnomAD compares: Non-Finnish European, 0.0034%; no homozygotes.

Submission:

PreventionGenetics, part of Exact Sciences
Classification: Uncertain significance for SEMA3B-related condition. Last evaluated: 2024-09-06. Review status: no assertion criteria provided. Collection method: clinical testing. Allele origin: germline.
Comment: The SEMA3B c.95G>T variant is predicted to result in the amino acid substitution p.Arg32Leu. To our knowledge, this variant has not been reported in the literature or in a large population database, indicating this variant is rare. At this time, the clinical significance of this variant is uncertain due to the absence of conclusive functional and genetic evidence.

NM_001290060.2(SEMA3B):c.95G>T (p.Arg32Leu)

Gene: SEMA3B (semaphorin 3B; plus strand). Cytogenetic location: 3p21.31.
Variant type: single nucleotide variant.
Coding change: c.95G>T on transcript NM_001290060.2 (MANE Select); coding-DNA position 95, G replaced by T.
Protein change: p.Arg32Leu; replaces arginine 32 with leucine.
Molecular consequence: missense variant.
Genome position (GRCh38, 1-based): chr3:50,269,335, G>T. VCF-style: chr3-50269335-G-T. GRCh37 (hg19) VCF-style: chr3-50306766-G-T.
Other names: c.95G>T, p.Arg32Leu (NM_001005914.3, NM_001290061.1, NM_004636.4); short protein forms R32L.
Identifiers: ClinVar variation 3353657 (VCV003353657.1).
Genomic context (GRCh38, chr3:50,269,335, plus strand): 5'-GCCTGGCCCTGCTCTGGGCAGTGGGGCTGGGGAGTGCCGCCCCCAGCCCCCCACGCCTTC[G>T]GCTCTCCTTCCAAGGTAGGTGCACCTGGCAGGCGGGAGGGCCCAGCTTGAGGTGGGCAGG-3'
Protein context (NP_001276989.1, residues 22-42): GSAAPSPPRL[Arg32Leu]LSFQELQAWH